The following is an entry in ClinVar:

ClinVar aggregate classification (germline): Uncertain significance (1 of 4 stars; one submission).

Conditions:
Catecholaminergic polymorphic ventricular tachycardia 1. Also called: RYR2-Related Catecholaminergic Polymorphic Ventricular Tachycardia; VENTRICULAR TACHYCARDIA, CATECHOLAMINERGIC POLYMORPHIC, 1, WITH OR WITHOUT ATRIAL DYSFUNCTION AND/OR DILATED CARDIOMYOPATHY; VENTRICULAR TACHYCARDIA, STRESS-INDUCED POLYMORPHIC 1. Identifiers: Orphanet 3286, MedGen C1631597, MONDO:0011484, OMIM 604772.

Submission:

Labcorp Genetics (formerly Invitae), Labcorp
Classification: Uncertain significance for Catecholaminergic polymorphic ventricular tachycardia 1. Last evaluated: 2024-02-23. Review status: criteria provided, single submitter. Criteria: Invitae Variant Classification Sherloc (09022015). Collection method: clinical testing. Allele origin: germline.
Comment: This sequence change falls in intron 61 of the RYR2 gene. It does not directly change the encoded amino acid sequence of the RYR2 protein. It affects a nucleotide within the consensus splice site. This variant is not present in population databases (gnomAD no frequency). This variant has not been reported in the literature in individuals affected with RYR2-related conditions. Variants that disrupt the consensus splice site are a relatively common cause of aberrant splicing (PMID: 17576681, 9536098). Algorithms developed to predict the effect of sequence changes on RNA splicing suggest that this variant may disrupt the consensus splice site. In summary, the available evidence is currently insufficient to determine the role of this variant in disease. Therefore, it has been classified as a Variant of Uncertain Significance.

Literature cited by the submitters: PubMed 17576681; PubMed 9536098.

NM_001035.3(RYR2):c.8895+6G>C

Gene: RYR2 (ryanodine receptor 2; plus strand). Cytogenetic location: 1q43.
Variant type: single nucleotide variant.
Coding change: c.8895+6G>C on transcript NM_001035.3 (MANE Select); 6 bases into the intron after coding-DNA position 8895, G replaced by C.
Molecular consequence: intron variant.
Genome position (GRCh38, 1-based): chr1:237,678,118, G>C. VCF-style: chr1-237678118-G-C. GRCh37 (hg19) VCF-style: chr1-237841418-G-C.
Identifiers: ClinVar variation 3642886 (VCV003642886.2).